The following is an entry in ClinVar:

ClinVar aggregate classification (germline): Likely benign (0 of 4 stars; one submission).

Conditions:
MYO1C-related disorder. Also called: MYO1C-related condition.

Submission:

PreventionGenetics, part of Exact Sciences
Classification: Likely benign for MYO1C-related condition. Last evaluated: 2019-04-30. Review status: no assertion criteria provided. Collection method: clinical testing. Allele origin: germline.
Comment: This variant is classified as likely benign based on ACMG/AMP sequence variant interpretation guidelines (Richards et al. 2015 PMID: 25741868, with internal and published modifications).

NM_001080779.2(MYO1C):c.1483-3dup

Gene: MYO1C (myosin IC; minus strand). Cytogenetic location: 17p13.3.
Variant type: Duplication.
Coding change: c.1483-3dup on transcript NM_001080779.2 (MANE Select); 3 bases into the intron before coding-DNA position 1483, one base duplicated (C; older notation c.1483-3dupC).
Molecular consequence: intron variant.
Genome position (GRCh38, 1-based): chr17:1,477,599, G duplicated on the plus strand (C on the coding strand, the reverse complement: MYO1C is on the minus strand); the first of 6 consecutive G bases (chr17:1,477,599-1,477,604); duplicating any one gives the same sequence. VCF-style (leftmost placement, unchanged base first): chr17-1477598-T-TG. GRCh37 (hg19) VCF-style: chr17-1380892-T-TG.
Other names: c.1378-3dup (NM_033375.5); c.1426-3dup (NM_001080950.2); c.1411-3dup (NM_001363855.1).
Identifiers: ClinVar variation 3055282 (VCV003055282.2), dbSNP rs571486732, ClinGen allele CA8267492.
Genomic context (GRCh38, chr17:1,477,598, plus strand): 5'-TCCAGCTTCTCCAGGAAGGTCAGGTCTGTGGCCTCCCCGGGGCGCAGACACTCCTCATCC[T>TG]GGGGGGTGTGGCACAGGGGGAAGGACGTATGGGGGACAGGTCAGAGCGCACAGAGGATTG-3'